The following is an entry in ClinVar:

ClinVar aggregate classification (germline): Uncertain significance (1 of 4 stars; one submission).

Conditions:
Inborn genetic diseases. Identifiers: MedGen C0950123, MeSH D030342.

gnomAD v4.1: 5 of 1,614,088 alleles (0.00031%); highest among the groups gnomAD compares: Non-Finnish European, 0.00042%; no homozygotes.

Submission:

Ambry Genetics
Classification: Uncertain significance for Inborn genetic diseases. Last evaluated: 2026-07-11. Review status: criteria provided, single submitter. Criteria: Ambry Variant Classification Scheme 2023. Collection method: clinical testing. Allele origin: germline.
Comment: The p.L977V variant (also known as c.2929C>G), located in coding exon 30 of the FANCA gene, results from a C to G substitution at nucleotide position 2929. The leucine at codon 977 is replaced by valine, an amino acid with highly similar properties. This amino acid position is conserved. In addition, this alteration is predicted to be tolerated by in silico analysis. Based on the available evidence, the clinical significance of this variant remains unclear.

NM_000135.4(FANCA):c.2929C>G (p.Leu977Val)

Gene: FANCA (FA complementation group A; minus strand). Cytogenetic location: 16q24.3.
Variant type: single nucleotide variant.
Coding change: c.2929C>G on transcript NM_000135.4 (MANE Select); coding-DNA position 2929, C replaced by G.
Protein change: p.Leu977Val; replaces leucine 977 with valine.
Molecular consequence: missense variant.
Genome position (GRCh38, 1-based): chr16:89,758,629, G>C on the plus strand (C>G on the coding strand, the complement: FANCA is on the minus strand). VCF-style: chr16-89758629-G-C. GRCh37 (hg19) VCF-style: chr16-89825037-G-C.
Other names: c.2929C>G, p.Leu977Val (NM_001286167.3); short protein forms L977V.
Identifiers: ClinVar variation 5036348 (VCV005036348.1).